The following is an entry in ClinVar:

ClinVar aggregate classification (germline): Benign/Likely benign. Review status: criteria provided, multiple submitters, no conflicts (2 of 4 stars). 3 submissions from 3 submitters: Benign (1); Likely benign (1). 1 of the submissions does not count toward it. Last evaluated 2024-10-14.

Conditions:
SPEN-related disorder. Also called: SPEN-related condition.

Allele frequency attached by ClinVar (database versions not stated): 1000 Genomes Project 30x 0.00094; 1000 Genomes Project 0.00100; ESP Exome Variant Server 0.00062.
gnomAD v4.1: 2,052 of 1,613,840 alleles (0.13%); highest among the groups gnomAD compares: Non-Finnish European, 0.13%; 5 homozygotes.

Submissions (3):

Blueprint Genetics
Classification: Likely benign. Last evaluated: 2024-10-14. Review status: criteria provided, single submitter. Criteria: ACMG Guidelines, 2015. Collection method: clinical testing. Allele origin: germline.

CeGaT Center for Human Genetics Tuebingen
Classification: Benign. Last evaluated: 2022-08-01. Review status: criteria provided, single submitter. Criteria: CeGaT Center For Human Genetics Tuebingen Variant Classification Criteria Version 2. Collection method: clinical testing. Allele origin: germline. Affected: yes. Observed: 2 variant alleles.
Comment: SPEN: BS1, BS2

PreventionGenetics, part of Exact Sciences
Classification: Likely benign for SPEN-related condition. Last evaluated: 2019-05-31. Review status: no assertion criteria provided. Collection method: clinical testing. Allele origin: germline. Not counted in ClinVar's aggregate classification.
Comment: This variant is classified as likely benign based on ACMG/AMP sequence variant interpretation guidelines (Richards et al. 2015 PMID: 25741868, with internal and published modifications).

NM_015001.3(SPEN):c.10254G>A (p.Gln3418=)

Gene: SPEN (spen family transcriptional repressor; plus strand). Cytogenetic location: 1p36.13.
Variant type: single nucleotide variant.
Coding change: c.10254G>A on transcript NM_015001.3 (MANE Select); coding-DNA position 10254, G replaced by A.
Protein change: p.Gln3418=; no amino-acid change (glutamine 3418 retained).
Molecular consequence: synonymous variant.
Genome position (GRCh38, 1-based): chr1:15,937,390, G>A. VCF-style: chr1-15937390-G-A. GRCh37 (hg19) VCF-style: chr1-16263885-G-A.
Other names: c.10254G>A (NM_015001.2).
Identifiers: ClinVar variation 2638349 (VCV002638349.26), dbSNP rs116419497, ClinGen allele CA620688.